The following is an entry in ClinVar:

NM_000552.5(VWF):c.3247G>A (p.Val1083Ile)

Gene: VWF (von Willebrand factor; minus strand). Cytogenetic location: 12p13.31.
Variant type: single nucleotide variant.
Coding change: c.3247G>A on transcript NM_000552.5 (MANE Select); coding-DNA position 3247, G replaced by A.
Protein change: p.Val1083Ile; replaces valine 1083 with isoleucine.
Molecular consequence: missense variant.
Genome position (GRCh38, 1-based): chr12:6,023,763, C>T on the plus strand (G>A on the coding strand, the complement: VWF is on the minus strand). VCF-style: chr12-6023763-C-T. GRCh37 (hg19) VCF-style: chr12-6132929-C-T.
Other names: short protein forms V1083I.
Identifiers: ClinVar variation 2664688 (VCV002664688.1), dbSNP rs2497528961, ClinGen allele CA383512303.

ClinVar aggregate classification (germline): Uncertain significance (1 of 4 stars; one submission).

Conditions:
von Willebrand disease type 2 (VWD2). Also called: VON WILLEBRAND DISEASE, TYPE 2A/IIE; VON WILLEBRAND DISEASE, TYPE 2CB; VON WILLEBRAND DISEASE, TYPE II; VWD, TYPE 2. Identifiers: Orphanet 166081, Orphanet 903, MedGen C1264040, MONDO:0013304, OMIM 613554.

Allele frequency attached by ClinVar (database versions not stated): gnomAD exomes below 0.00001.
gnomAD v4.1: 1 of 1,612,670 alleles (0.000062%); highest among the groups gnomAD compares: Non-Finnish European, 0.000085%; no homozygotes.

Submission:

Genetics and Molecular Pathology, SA Pathology
Classification: Uncertain significance for von Willebrand disease type 2. Last evaluated: 2023-01-11. Review status: criteria provided, single submitter. Criteria: ACMG Guidelines, 2015. Collection method: clinical testing. Allele origin: germline. Affected: yes.
Comment: The VWF c.3247G>A variant is classified as VUS (PM2, BP4) The VWF c.3247G>A variant is a single nucleotide change in exon 25/52 of the VWF gene, which is predicted to change the amino acid valine at position 1083 in the protein to isoleucine. This variant is absent from population databases (PM2). Computational evidence suggest this variant has no impact on the gene or gene product (BP4). This variant has not been reported in dbSNP, ClinVar or HGMD.